The following is an entry in ClinVar:

NM_001077525.3(MTMR14):c.519T>A (p.Asp173Glu)

Gene: MTMR14 (myotubularin related protein 14; plus strand). Cytogenetic location: 3p25.3.
Variant type: single nucleotide variant.
Coding change: c.519T>A on transcript NM_001077525.3 (MANE Select); coding-DNA position 519, T replaced by A.
Protein change: p.Asp173Glu; replaces aspartic acid 173 with glutamic acid.
Molecular consequence: missense variant.
Genome position (GRCh38, 1-based): chr3:9,669,457, T>A. VCF-style: chr3-9669457-T-A. GRCh37 (hg19) VCF-style: chr3-9711141-T-A.
Other names: c.519T>A, p.Asp173Glu (NM_001077526.3, NM_022485.5); short protein forms D173E.
Identifiers: ClinVar variation 702177 (VCV000702177.33), dbSNP rs189614064, ClinGen allele CA2240331.

ClinVar aggregate classification (germline): Likely benign. Review status: criteria provided, multiple submitters, no conflicts (2 of 4 stars). 3 submissions from 3 submitters: Likely benign (2). 1 of the submissions does not count toward it. Last evaluated 2026-08-01.

Conditions:
MTMR14-related disorder. Also called: MTMR14-related condition.

Allele frequency attached by ClinVar (database versions not stated): 1000 Genomes Project 30x 0.00094; 1000 Genomes Project 0.00100; TOPMed 0.00235; ExAC 0.00248; ESP Exome Variant Server 0.00259; gnomAD exomes 0.00260 and 0.00355; gnomAD 0.00263 and 0.00274.
gnomAD v4.1: 5,515 of 1,613,906 alleles (0.34%); highest among the groups gnomAD compares: Non-Finnish European, 0.43%; 18 homozygotes.

Submissions (3):

CeGaT Center for Human Genetics Tuebingen
Classification: Likely benign. Last evaluated: 2026-08-01. Review status: criteria provided, single submitter. Criteria: CeGaT Center For Human Genetics Tuebingen Variant Classification Criteria Version 2. Collection method: clinical testing. Allele origin: germline. Affected: yes. Observed: 13 variant alleles.
Comment: MTMR14: BP4, BS2

Labcorp Genetics (formerly Invitae), Labcorp
Classification: Likely benign. Last evaluated: 2026-01-26. Review status: criteria provided, single submitter. Criteria: Invitae Variant Classification Sherloc (09022015). Collection method: clinical testing. Allele origin: germline.

PreventionGenetics, part of Exact Sciences
Classification: Benign for MTMR14-related condition. Last evaluated: 2019-05-02. Review status: no assertion criteria provided. Collection method: clinical testing. Allele origin: germline. Not counted in ClinVar's aggregate classification.
Comment: This variant is classified as benign based on ACMG/AMP sequence variant interpretation guidelines (Richards et al. 2015 PMID: 25741868, with internal and published modifications).